The following is an entry in ClinVar:

ClinVar aggregate classification (germline): Likely benign (1 of 4 stars; one submission).

gnomAD v4.1: 6 of 1,613,032 alleles (0.00037%); highest among the groups gnomAD compares: Admixed American, 0.0017%; no homozygotes.

Submission:

CeGaT Center for Human Genetics Tuebingen
Classification: Likely benign. Last evaluated: 2026-05-01. Review status: criteria provided, single submitter. Criteria: CeGaT Center For Human Genetics Tuebingen Variant Classification Criteria Version 2. Collection method: clinical testing. Allele origin: germline. Affected: yes. Observed: 1 variant allele.
Comment: AP1G1: BP4, BP7

NM_001128.6(AP1G1):c.630G>T (p.Ala210=)

Gene: AP1G1 (adaptor related protein complex 1 subunit gamma 1; minus strand). Cytogenetic location: 16q22.2.
Variant type: single nucleotide variant.
Coding change: c.630G>T on transcript NM_001128.6 (MANE Select); coding-DNA position 630, G replaced by T.
Protein change: p.Ala210=; no amino-acid change (alanine 210 retained).
Molecular consequence: synonymous variant.
Genome position (GRCh38, 1-based): chr16:71,769,635, C>A on the plus strand (G>T on the coding strand, the complement: AP1G1 is on the minus strand). VCF-style: chr16-71769635-C-A. GRCh37 (hg19) VCF-style: chr16-71803538-C-A.
Other names: c.630G>T, p.Ala210= (NM_001030007.2).
Identifiers: ClinVar variation 4873921 (VCV004873921.2).
Genomic context (GRCh38, chr16:71,769,635, plus strand): 5'-AATCATTTTTCAATCAAGAAAGGCTTAGGCATACAGAATGGCACCTACCTTTCTGAAATG[C>A]GCAAGCATGTCTGGGCTTCGCTCACACATTTCTGTGAGGAGGACTACAGATGTGTGGAGG-3'
Protein context (NP_001119.3, residues 200-220): EMCERSPDML[Ala210=]HFRKLVPQLV